The following is an entry in ClinVar:

NM_001267550.2(TTN):c.107239A>T (p.Asn35747Tyr)

Genes: TTN (titin; minus strand), TTN-AS1 (TTN antisense RNA 1; plus strand). Cytogenetic location: 2q31.2.
Variant type: single nucleotide variant.
Coding change: c.107239A>T on transcript NM_001267550.2 (MANE Select); coding-DNA position 107239, A replaced by T.
Protein change: p.Asn35747Tyr; replaces asparagine 35747 with tyrosine.
Molecular consequence: missense variant.
Genome position (GRCh38, 1-based): chr2:178,528,412, T>A on the plus strand (A>T on the coding strand, the complement: TTN is on the minus strand). VCF-style: chr2-178528412-T-A. GRCh37 (hg19) VCF-style: chr2-179393139-T-A.
Other names: c.102316A>T, p.Asn34106Tyr (NM_001256850.1); c.80044A>T, p.Asn26682Tyr (NM_003319.4); c.99535A>T, p.Asn33179Tyr (NM_133378.4); c.80419A>T, p.Asn26807Tyr (NM_133432.3); c.80620A>T, p.Asn26874Tyr (NM_133437.4); short protein forms N26682Y, N26807Y, N33179Y, N26874Y, N34106Y, N35747Y.
Identifiers: ClinVar variation 1915382 (VCV001915382.6), dbSNP rs1687478590, ClinGen allele CA349401510.
Genomic context (GRCh38, chr2:178,528,412, plus strand): 5'-TGACTGATGCATTTCGGATTTCAAGGGAGTATACATTTCTGGAGCGGCTTATGCTGACAT[T>A]TGAAGAAATAGAAATCTAAGACAAAGGAAAAAGAAAAGAAATGTTGAAGTTCTTCAGATG-3'
Protein context (NP_001254479.2, residues 35737-35757): KNNLPISISS[Asn35747Tyr]VSISRSRNVY

ClinVar aggregate classification (germline): Uncertain significance. Review status: criteria provided, multiple submitters, no conflicts (2 of 4 stars). 2 submissions from 2 submitters: Uncertain significance (2). Last evaluated 2025-12-11.

Conditions:
Dilated cardiomyopathy 1G (CMD1G). Identifiers: Orphanet 154, MedGen C1858763, MONDO:0011400, OMIM 604145.
Autosomal recessive limb-girdle muscular dystrophy type 2J (LGMDR10). Also called: Limb-girdle muscular dystrophy, type 2J; MUSCULAR DYSTROPHY, LIMB-GIRDLE, AUTOSOMAL RECESSIVE 10. Identifiers: Orphanet 140922, MedGen C1837342, MONDO:0012127, OMIM 608807.

Allele frequency attached by ClinVar (database versions not stated): gnomAD 0.00001.
gnomAD v4.1: 1 of 1,613,188 alleles (0.000062%); highest among the groups gnomAD compares: African/African-American, 0.0013%; no homozygotes.

Submissions (2):

Women's Health and Genetics/Laboratory Corporation of America, LabCorp
Classification: Uncertain significance. Last evaluated: 2025-12-11. Review status: criteria provided, single submitter. Criteria: LabCorp Variant Classification Summary - May 2015. Collection method: clinical testing. Allele origin: germline.

Labcorp Genetics (formerly Invitae), Labcorp
Classification: Uncertain significance for Dilated cardiomyopathy 1G; Autosomal recessive limb-girdle muscular dystrophy type 2J. Last evaluated: 2022-02-20. Review status: criteria provided, single submitter. Criteria: Invitae Variant Classification Sherloc (09022015). Collection method: clinical testing. Allele origin: germline.
Comment: This variant is located in the M band of TTN (PMID: 25589632). Variants in this region may be relevant for neuromuscular disorders, but have not been definitively shown to cause cardiomyopathy (PMID: 23975875). In summary, the available evidence is currently insufficient to determine the role of this variant in disease. Therefore, it has been classified as a Variant of Uncertain Significance. Experimental studies and prediction algorithms are not available or were not evaluated, and the functional significance of this variant is currently unknown. This variant has not been reported in the literature in individuals affected with TTN-related conditions. This variant is not present in population databases (gnomAD no frequency). This sequence change replaces asparagine, which is neutral and polar, with tyrosine, which is neutral and polar, at codon 35747 of the TTN protein (p.Asn35747Tyr).

Literature cited by the submitters: PubMed 25589632 (cited by Labcorp Genetics (formerly Invitae), Labcorp); PubMed 23975875 (cited by Labcorp Genetics (formerly Invitae), Labcorp).